The following is an entry in ClinVar:

NM_002878.4(RAD51D):c.-10T>G

Genes: RAD51D (RAD51 paralog D; minus strand), RAD51L3-RFFL (RAD51L3-RFFL readthrough; minus strand). Cytogenetic location: 17q12.
Variant type: single nucleotide variant.
Coding change: c.-10T>G on transcript NM_002878.4 (MANE Select); 10 bases upstream of the start codon, T replaced by G.
Molecular consequence: 5 prime UTR variant. On other transcripts: non-coding transcript variant (2).
Genome position (GRCh38, 1-based): chr17:35,119,623, A>C on the plus strand (T>G on the coding strand, the complement: RAD51D is on the minus strand). VCF-style: chr17-35119623-A-C. GRCh37 (hg19) VCF-style: chr17-33446642-A-C.
Other names: c.-10T>G (NM_001142571.2, NM_133629.3).
Identifiers: ClinVar variation 507026 (VCV000507026.1), dbSNP rs746408351, ClinGen allele CA8499713.

ClinVar aggregate classification (germline): Likely benign (1 of 4 stars; one submission).

Allele frequency attached by ClinVar (database versions not stated): gnomAD 0.00001; gnomAD exomes 0.00001 and 0.00004; ExAC 0.00003.
gnomAD v4.1: 16 of 1,609,566 alleles (0.00099%); highest among the groups gnomAD compares: Non-Finnish European, 0.00017%; no homozygotes.

Submission:

GeneDx
Classification: Likely benign. Last evaluated: 2017-01-20. Review status: criteria provided, single submitter. Criteria: GeneDx Variant Classification (06012015). Collection method: clinical testing. Allele origin: germline. Affected: yes.
Comment: This variant is considered likely benign or benign based on one or more of the following criteria: it is a conservative change, it occurs at a poorly conserved position in the protein, it is predicted to be benign by multiple in silico algorithms, and/or has population frequency not consistent with disease.